The following is an entry in ClinVar:

NM_001384474.1(LOXHD1):c.826del (p.Asp276fs)

Gene: LOXHD1 (lipoxygenase homology PLAT domains 1; minus strand). Cytogenetic location: 18q21.1.
Variant type: Deletion.
Coding change: c.826del on transcript NM_001384474.1 (MANE Select); coding-DNA position 826, one base deleted (G; older notation c.826delG).
Protein change: p.Asp276fs; shifts the reading frame from aspartic acid 276.
Molecular consequence: frameshift variant.
Genome position (GRCh38, 1-based): chr18:46,604,163, C deleted on the plus strand (G on the coding strand, the reverse complement: LOXHD1 is on the minus strand); the first of 2 consecutive C bases (chr18:46,604,163-46,604,164); deleting either gives the same sequence. VCF-style (leftmost placement, unchanged base first): chr18-46604162-TC-T. GRCh37 (hg19) VCF-style: chr18-44184125-TC-T.
Other names: c.826del, p.Asp276fs (NM_144612.7); short protein forms D276fs.
Identifiers: ClinVar variation 4816847 (VCV004816847.1).

ClinVar aggregate classification (germline): Likely pathogenic (1 of 4 stars; one submission).

Conditions:
Autosomal recessive nonsyndromic hearing loss 77. Identifiers: Orphanet 90636, MedGen C2746083, MONDO:0013119, OMIM 613079.

Submission:

Natera, Inc.
Classification: Likely pathogenic for Autosomal recessive deafness type 77. Last evaluated: 2024-12-19. Review status: criteria provided, single submitter. Criteria: Natera Variant Classification Schema (03/2026). Collection method: clinical testing. Allele origin: germline.
Comment: The c.826del variant in LOXHD1 is a frameshift variant predicted to shift the reading frame beginning at codon 276 and leads to a stop codon 12 codons downstream. This variant is expected to result in nonsense mediated decay, truncation, or a dysfunctional protein product. This variant is rare in the general population with a frequency below the threshold expected for the associated phenotype(s). Given the available evidence, this variant is classified as Likely Pathogenic.